The following is an entry in ClinVar:

ClinVar aggregate classification (germline): Uncertain significance (1 of 4 stars; one submission).

gnomAD v4.1: 7 of 1,613,840 alleles (0.00043%); highest among the groups gnomAD compares: Middle Eastern, 0.016%; no homozygotes.

Submission:

Ambry Genetics
Classification: Uncertain significance. Last evaluated: 2025-03-22. Review status: criteria provided, single submitter. Criteria: Ambry Variant Classification Scheme 2023. Collection method: clinical testing. Allele origin: germline.
Comment: The p.P550A variant (also known as c.1648C>G), located in coding exon 2 of the CDK12 gene, results from a C to G substitution at nucleotide position 1648. The proline at codon 550 is replaced by alanine, an amino acid with highly similar properties. This amino acid position is conserved. In addition, this alteration is predicted to be tolerated by in silico analysis. Based on the available evidence, the clinical significance of this variant remains unclear.

NM_016507.4(CDK12):c.1648C>G (p.Pro550Ala)

Gene: CDK12 (cyclin dependent kinase 12; plus strand). Cytogenetic location: 17q12.
Variant type: single nucleotide variant.
Coding change: c.1648C>G on transcript NM_016507.4 (MANE Select); coding-DNA position 1648, C replaced by G.
Protein change: p.Pro550Ala; replaces proline 550 with alanine.
Molecular consequence: missense variant.
Genome position (GRCh38, 1-based): chr17:39,471,480, C>G. VCF-style: chr17-39471480-C-G. GRCh37 (hg19) VCF-style: chr17-37627733-C-G.
Other names: c.1648C>G, p.Pro550Ala (NM_015083.4); short protein forms P550A.
Identifiers: ClinVar variation 3999253 (VCV003999253.1).
Genomic context (GRCh38, chr17:39,471,480, plus strand): 5'-CCCACAATTGCTTCTCCCCCACCCCCTCTACCAACTACTACCCCTCCACCTCAGACACCC[C>G]CTTTGCCACCTTTGCCTCCAATACCAGCTCTTCCACAGCAACCACCTCTGCCTCCTTCTC-3'
Protein context (NP_057591.2, residues 540-560): PTTTPPPQTP[Pro550Ala]LPPLPPIPAL